The following is an entry in ClinVar:

ClinVar aggregate classification (germline): Uncertain significance (1 of 4 stars; one submission).

Conditions:
Familial thoracic aortic aneurysm and aortic dissection (TAAD). Also called: Thoracic aortic aneurysms and dissections. Identifiers: Orphanet 91387, MedGen C4707243, MONDO:0019625.

Allele frequency attached by ClinVar (database versions not stated): gnomAD exomes below 0.00001; TOPMed below 0.00001.
gnomAD v4.1: 2 of 1,614,158 alleles (0.00012%); highest among the groups gnomAD compares: East Asian, 0.0045%; no homozygotes.

Submission:

Ambry Genetics
Classification: Uncertain significance for Familial thoracic aortic aneurysm and aortic dissection. Last evaluated: 2022-08-22. Review status: criteria provided, single submitter. Criteria: Ambry Variant Classification Scheme 2023. Collection method: clinical testing. Allele origin: germline.
Comment: The p.S18G variant (also known as c.52A>G), located in coding exon 1 of the MYLK gene, results from an A to G substitution at nucleotide position 52. The serine at codon 18 is replaced by glycine, an amino acid with similar properties. This amino acid position is conserved. In addition, this alteration is predicted to be tolerated by in silico analysis. Since supporting evidence is limited at this time, the clinical significance of this alteration remains unclear.

NM_053025.4(MYLK):c.52A>G (p.Ser18Gly)

Gene: MYLK (myosin light chain kinase; minus strand). Cytogenetic location: 3q21.1.
Variant type: single nucleotide variant.
Coding change: c.52A>G on transcript NM_053025.4 (MANE Select); coding-DNA position 52, A replaced by G.
Protein change: p.Ser18Gly; replaces serine 18 with glycine.
Molecular consequence: missense variant. On other transcripts: 5 prime UTR variant (1).
Genome position (GRCh38, 1-based): chr3:123,793,790, T>C on the plus strand (A>G on the coding strand, the complement: MYLK is on the minus strand). VCF-style: chr3-123793790-T-C. GRCh37 (hg19) VCF-style: chr3-123512637-T-C.
Other names: c.-269A>G (NM_001321309.2); c.52A>G, p.Ser18Gly (NM_053026.4, NM_053027.4, NM_053028.4); short protein forms S18G.
Identifiers: ClinVar variation 1746686 (VCV001746686.2), dbSNP rs2064880654, ClinGen allele CA354236800.
Genomic context (GRCh38, chr3:123,793,790, plus strand): 5'-GCAAAATGAAAGCAGGGGCCTCTGTCAGGGGCATGGAGTCAACTCTTGAGGGATCCACAC[T>C]GAGGGAGGTTTTGGAAATGTGTGACGAGGCAACCAGCTTCACATCCCCCATGGTCTGCAA-3'
Protein context (NP_444253.3, residues 8-28): ASSHISKTSL[Ser18Gly]VDPSRVDSMP